The following is an entry in ClinVar:

NM_138713.4(NFAT5):c.3382G>A (p.Glu1128Lys)

Gene: NFAT5 (nuclear factor of activated T cells 5; plus strand). Cytogenetic location: 16q22.1.
Variant type: single nucleotide variant.
Coding change: c.3382G>A on transcript NM_138713.4 (MANE Select); coding-DNA position 3382, G replaced by A.
Protein change: p.Glu1128Lys; replaces glutamic acid 1128 with lysine.
Molecular consequence: missense variant.
Genome position (GRCh38, 1-based): chr16:69,693,207, G>A. VCF-style: chr16-69693207-G-A. GRCh37 (hg19) VCF-style: chr16-69727110-G-A.
Other names: c.3382G>A, p.Glu1128Lys (LRG_1332t1); c.3379G>A, p.Glu1127Lys (NM_001113178.3); c.2707G>A, p.Glu903Lys (NM_001367709.1); c.3328G>A, p.Glu1110Lys (NM_006599.4); c.3100G>A, p.Glu1034Lys (NM_138714.4, NM_173214.3, NM_173215.3); short protein forms E1128K, E1034K, E1110K, E1127K, E903K.
Identifiers: ClinVar variation 664473 (VCV000664473.8), dbSNP rs1246017789, ClinGen allele CA396512881.
Genomic context (GRCh38, chr16:69,693,207, plus strand): 5'-GGTTCTCTCTTTCATAGTCCAAATCCTATTGTCCACAGTCAGACTTCTACAACCTCCTCT[G>A]AACAAATGCAGCCTCCAATGTTTCACTCTCAAAGTACCATTGCTGTGTTACAGGGCTCTT-3'
Protein context (NP_619727.2, residues 1118-1138): VHSQTSTTSS[Glu1128Lys]QMQPPMFHSQ

ClinVar aggregate classification (germline): Uncertain significance (1 of 4 stars; one submission).

Conditions:
Immunodeficiency. Identifiers: MedGen C0021051, MONDO:0021094, HP:0002721.

Allele frequency attached by ClinVar (database versions not stated): gnomAD exomes below 0.00001; TOPMed below 0.00001; gnomAD 0.00001.
gnomAD v4.1: 4 of 1,613,946 alleles (0.00025%); highest among the groups gnomAD compares: Non-Finnish European, 0.00025%; no homozygotes.

Submission:

Labcorp Genetics (formerly Invitae), Labcorp
Classification: Uncertain significance for Immunodeficiency. Last evaluated: 2023-11-22. Review status: criteria provided, single submitter. Criteria: Invitae Variant Classification Sherloc (09022015). Collection method: clinical testing. Allele origin: germline.
Comment: This sequence change replaces glutamic acid, which is acidic and polar, with lysine, which is basic and polar, at codon 1034 of the NFAT5 protein (p.Glu1034Lys). This variant is present in population databases (no rsID available, gnomAD 0.0009%). This variant has not been reported in the literature in individuals affected with NFAT5-related conditions. ClinVar contains an entry for this variant (Variation ID: 664473). An algorithm developed to predict the effect of missense changes on protein structure and function (PolyPhen-2) suggests that this variant is likely to be tolerated. In summary, the available evidence is currently insufficient to determine the role of this variant in disease. Therefore, it has been classified as a Variant of Uncertain Significance.